The following is an entry in ClinVar:

NM_018489.3(ASH1L):c.7982G>A (p.Gly2661Asp)

Gene: ASH1L (ASH1 like histone lysine methyltransferase; minus strand). Cytogenetic location: 1q22.
Variant type: single nucleotide variant.
Coding change: c.7982G>A on transcript NM_018489.3 (MANE Select); coding-DNA position 7982, G replaced by A.
Protein change: p.Gly2661Asp; replaces glycine 2661 with aspartic acid.
Molecular consequence: missense variant.
Genome position (GRCh38, 1-based): chr1:155,343,742, C>T on the plus strand (G>A on the coding strand, the complement: ASH1L is on the minus strand). VCF-style: chr1-155343742-C-T. GRCh37 (hg19) VCF-style: chr1-155313533-C-T.
Other names: c.7997G>A, p.Gly2666Asp (NM_001366177.2); short protein forms G2666D, G2661D.
Identifiers: ClinVar variation 3130334 (VCV003130334.1), dbSNP rs1653001196, ClinGen allele CA342730889.

ClinVar aggregate classification (germline): Uncertain significance (1 of 4 stars; one submission).

Conditions:
Inborn genetic diseases. Identifiers: MedGen C0950123, MeSH D030342.

Allele frequency attached by ClinVar (database versions not stated): TOPMed below 0.00001.

Submission:

Ambry Genetics
Classification: Uncertain significance for Inborn genetic diseases. Last evaluated: 2024-02-23. Review status: criteria provided, single submitter. Criteria: Ambry Variant Classification Scheme 2023. Collection method: clinical testing. Allele origin: germline.
Comment: The c.7982G>A (p.G2661D) alteration is located in exon 23 (coding exon 22) of the ASH1L gene. This alteration results from a G to A substitution at nucleotide position 7982, causing the glycine (G) at amino acid position 2661 to be replaced by an aspartic acid (D). This variant was not reported in population-based cohorts in the Genome Aggregation Database (gnomAD). This amino acid position is highly conserved in available vertebrate species. This alteration is predicted to be deleterious by in silico analysis. Based on insufficient or conflicting evidence, the clinical significance of this alteration remains unclear.